The following is an entry in ClinVar:

ClinVar aggregate classification (germline): Uncertain significance (1 of 4 stars; one submission).

gnomAD v4.1: 1 of 1,607,914 alleles (0.000062%); highest among the groups gnomAD compares: Non-Finnish European, 0.000085%; no homozygotes.

Submission:

GeneDx
Classification: Uncertain significance. Last evaluated: 2024-12-27. Review status: criteria provided, single submitter. Criteria: GeneDx Variant Classification Process June 2021. Collection method: clinical testing. Allele origin: germline. Affected: yes.
Comment: Not observed at significant frequency in large population cohorts (gnomAD); In silico analysis supports that this missense variant has a deleterious effect on protein structure/function; Has not been previously published as pathogenic or benign to our knowledge

NM_001128840.3(CACNA1D):c.2912G>A (p.Gly971Glu)

Gene: CACNA1D (calcium voltage-gated channel subunit alpha1 D; plus strand). Cytogenetic location: 3p21.1.
Variant type: single nucleotide variant.
Coding change: c.2912G>A on transcript NM_001128840.3 (MANE Select); coding-DNA position 2912, G replaced by A.
Protein change: p.Gly971Glu; replaces glycine 971 with glutamic acid.
Molecular consequence: missense variant.
Genome position (GRCh38, 1-based): chr3:53,743,111, G>A. VCF-style: chr3-53743111-G-A. GRCh37 (hg19) VCF-style: chr3-53777138-G-A.
Other names: c.2972G>A, p.Gly991Glu (NM_000720.4); c.2912G>A, p.Gly971Glu (NM_001128839.3); short protein forms G971E, G991E.
Identifiers: ClinVar variation 3908055 (VCV003908055.1).